The following is an entry in ClinVar:

NM_001127222.2(CACNA1A):c.7061C>T (p.Pro2354Leu)

Gene: CACNA1A (calcium voltage-gated channel subunit alpha1 A; minus strand). Cytogenetic location: 19p13.13.
Variant type: single nucleotide variant.
Coding change: c.7061C>T on transcript NM_001127222.2 (MANE Select); coding-DNA position 7061, C replaced by T.
Protein change: p.Pro2354Leu; replaces proline 2354 with leucine.
Molecular consequence: missense variant. On other transcripts: 3 prime UTR variant (3).
Genome position (GRCh38, 1-based): chr19:13,207,773, G>A on the plus strand (C>T on the coding strand, the complement: CACNA1A is on the minus strand). VCF-style: chr19-13207773-G-A. GRCh37 (hg19) VCF-style: chr19-13318587-G-A.
Other names: c.*273C>T (NM_000068.4, NM_001127221.2, NM_001174080.2); c.7079C>T, p.Pro2360Leu (NM_023035.3); c.7061C>T (NM_001127222.1); short protein forms P2354L, P2360L.
Identifiers: ClinVar variation 804611 (VCV000804611.3), dbSNP rs1421650967, ClinGen allele CA404328366.

ClinVar aggregate classification (germline): Uncertain significance. Review status: criteria provided, multiple submitters, no conflicts (2 of 4 stars). 2 submissions from 2 submitters: Uncertain significance (2). Last evaluated 2024-12-23.

Conditions:
CACNA1A-related disorder. Also called: CACNA1A-related condition.

Submissions (2):

Athena Diagnostics
Classification: Uncertain significance. Last evaluated: 2024-12-23. Review status: criteria provided, single submitter. Criteria: Athena Diagnostics Criteria. Collection method: clinical testing. Allele origin: unknown.
Comment: Available data are insufficient to determine the clinical significance of the variant at this time. The frequency of this variant in the general population is uninformative in assessment of its pathogenicity. This variant has been seen where an alternate explanation for disease was also identified, suggesting this variant may not cause disease. Polyphen and MutationTaster predict this amino acid change may be benign.

PreventionGenetics, part of Exact Sciences
Classification: Uncertain significance for CACNA1A-related condition. Last evaluated: 2024-10-29. Review status: criteria provided, single submitter. Criteria: ACMG Guidelines, 2015. Collection method: clinical testing. Allele origin: germline.
Comment: The CACNA1A c.7061C>T variant is predicted to result in the amino acid substitution p.Pro2354Leu. To our knowledge, this variant has not been reported in the literature or in a large general population database (gnomAD), indicating it is rare. At this time, the clinical significance of this variant is uncertain due to the absence of conclusive functional and genetic evidence.